The following is an entry in ClinVar:

ClinVar aggregate classification (germline): Uncertain significance (1 of 4 stars; one submission).

Allele frequency attached by ClinVar (database versions not stated): gnomAD exomes below 0.00001 and 0.00001; TOPMed below 0.00001; ExAC 0.00001; gnomAD 0.00001.
gnomAD v4.1: 6 of 1,614,004 alleles (0.00037%); highest among the groups gnomAD compares: Middle Eastern, 0.016%; no homozygotes.

Submission:

Labcorp Genetics (formerly Invitae), Labcorp
Classification: Uncertain significance. Last evaluated: 2025-02-13. Review status: criteria provided, single submitter. Criteria: Invitae Variant Classification Sherloc (09022015). Collection method: clinical testing. Allele origin: germline.
Comment: This sequence change replaces valine, which is neutral and non-polar, with leucine, which is neutral and non-polar, at codon 454 of the SERPING1 protein (p.Val454Leu). This variant is present in population databases (rs749446455, gnomAD 0.02%). This variant has not been reported in the literature in individuals affected with SERPING1-related conditions. ClinVar contains an entry for this variant (Variation ID: 1378499). Invitae Evidence Modeling of protein sequence and biophysical properties (such as structural, functional, and spatial information, amino acid conservation, physicochemical variation, residue mobility, and thermodynamic stability) has been performed for this missense variant. However, the output from this modeling did not meet the statistical confidence thresholds required to predict the impact of this variant on SERPING1 protein function. This variant disrupts the p.Val454 amino acid residue in SERPING1. Other variant(s) that disrupt this residue have been determined to be pathogenic (PMID: 7620742). This suggests that this residue is clinically significant, and that variants that disrupt this residue are likely to be disease-causing. In summary, the available evidence is currently insufficient to determine the role of this variant in disease. Therefore, it has been classified as a Variant of Uncertain Significance.

Literature cited by the submitters: PubMed 7620742.

NM_000062.3(SERPING1):c.1360G>T (p.Val454Leu)

Gene: SERPING1 (serpin family G member 1; plus strand). Cytogenetic location: 11q12.1.
Variant type: single nucleotide variant.
Coding change: c.1360G>T on transcript NM_000062.3 (MANE Select); coding-DNA position 1360, G replaced by T.
Protein change: p.Val454Leu; replaces valine 454 with leucine.
Molecular consequence: missense variant.
Genome position (GRCh38, 1-based): chr11:57,614,438, G>T. VCF-style: chr11-57614438-G-T. GRCh37 (hg19) VCF-style: chr11-57381911-G-T.
Other names: c.1360G>T, p.Val454Leu (NM_001032295.2); short protein forms V454L.
Identifiers: ClinVar variation 1378499 (VCV001378499.8), dbSNP rs749446455, ClinGen allele CA6008278.